The following is an entry in ClinVar:

NM_001256071.3(RNF213):c.6881T>G (p.Leu2294Arg)

Gene: RNF213 (ring finger protein 213; plus strand). Cytogenetic location: 17q25.3.
Variant type: single nucleotide variant.
Coding change: c.6881T>G on transcript NM_001256071.3 (MANE Select); coding-DNA position 6881, T replaced by G.
Protein change: p.Leu2294Arg; replaces leucine 2294 with arginine.
Molecular consequence: missense variant.
Genome position (GRCh38, 1-based): chr17:80,345,216, T>G. VCF-style: chr17-80345216-T-G. GRCh37 (hg19) VCF-style: chr17-78319016-T-G.
Other names: c.7028T>G, p.Leu2343Arg (NM_001410195.1, NM_020914.5); short protein forms L2294R, L2343R.
Identifiers: ClinVar variation 4086702 (VCV004086702.1).
Genomic context (GRCh38, chr17:80,345,216, plus strand): 5'-CGGGGAAGCACATGGTCACCATGGATGGGGTTAGGGAAGAAGATCTAGCGCCCTTCTCCC[T>G]CCGGAAGAGGTGGGAGTCGGAGCCTCACCCATACGTTTTCTTCAATGACGACCACACAAC-3'
Protein context (NP_001243000.2, residues 2284-2304): VREEDLAPFS[Leu2294Arg]RKRWESEPHP

ClinVar aggregate classification (germline): Uncertain significance (1 of 4 stars; one submission).

gnomAD v4.1: 11 of 1,614,072 alleles (0.00068%); highest among the groups gnomAD compares: South Asian, 0.012%; 1 homozygote.

Submission:

GeneDx
Classification: Uncertain significance. Last evaluated: 2025-03-21. Review status: criteria provided, single submitter. Criteria: GeneDx Variant Classification Process June 2021. Collection method: clinical testing. Allele origin: germline. Affected: yes.
Comment: In silico analysis supports that this missense variant has a deleterious effect on protein structure/function; Has not been previously published as pathogenic or benign to our knowledge